The following is an entry in ClinVar:

ClinVar aggregate classification (germline): Conflicting classifications of pathogenicity. Review status: criteria provided, conflicting classifications (1 of 4 stars). 3 submissions from 3 submitters: Uncertain significance (1); Likely benign (2). Last evaluated 2026-01-28.

Conditions:
Cardiovascular phenotype. Identifiers: MedGen CN230736.
Catecholaminergic polymorphic ventricular tachycardia (CVPT). Also called: Catecholamine-induced polymorphic ventricular tachycardia. Identifiers: Orphanet 3286, MedGen C5574922, MONDO:0017990.
Catecholaminergic polymorphic ventricular tachycardia 1. Also called: VENTRICULAR TACHYCARDIA, STRESS-INDUCED POLYMORPHIC 1; VENTRICULAR TACHYCARDIA, CATECHOLAMINERGIC POLYMORPHIC, 1, WITH OR WITHOUT ATRIAL DYSFUNCTION AND/OR DILATED CARDIOMYOPATHY; RYR2-Related Catecholaminergic Polymorphic Ventricular Tachycardia. Identifiers: Orphanet 3286, MedGen C1631597, MONDO:0011484, OMIM 604772.

Allele frequency attached by ClinVar (database versions not stated): gnomAD exomes below 0.00001; TOPMed below 0.00001.
gnomAD v4.1: 1 of 1,568,726 alleles (0.000064%); highest among the groups gnomAD compares: East Asian, 0.0022%; no homozygotes.

Submissions (3):

Labcorp Genetics (formerly Invitae), Labcorp
Classification: Likely benign for Catecholaminergic polymorphic ventricular tachycardia 1. Last evaluated: 2026-01-28. Review status: criteria provided, single submitter. Criteria: Invitae Variant Classification Sherloc (09022015). Collection method: clinical testing. Allele origin: germline.

All of Us Research Program, National Institutes of Health
Classification: Uncertain significance for Catecholaminergic polymorphic ventricular tachycardia. Last evaluated: 2023-11-30. Review status: criteria provided, single submitter. Criteria: ACMG Guidelines, 2015. Collection method: clinical testing. Allele origin: germline. Inheritance: Autosomal dominant inheritance. Observed: 3 variant alleles, 3 heterozygotes.
Comment: This variant is located in the RYR2 protein. To our knowledge, functional studies have not been reported for this variant. This variant has not been reported in individuals affected with RYR2-related disorders in the literature. This variant has not been identified in the general population by the Genome Aggregation Database (gnomAD). The available evidence is insufficient to determine the role of this variant in disease conclusively. Therefore, this variant is classified as a Variant of Uncertain Significance.

This study involves interpretation of variants in research participants for the purpose of population health screening. Participant phenotype was not available at the time of variant classification. Additional details can be found in publication PMID: 35346344, PMCID: PMC8962531

Ambry Genetics
Classification: Likely benign for Cardiovascular phenotype. Last evaluated: 2021-05-20. Review status: criteria provided, single submitter. Criteria: Ambry Variant Classification Scheme 2023. Collection method: clinical testing. Allele origin: germline.

NM_001035.3(RYR2):c.5703A>G (p.Pro1901=)

Gene: RYR2 (ryanodine receptor 2; plus strand). Cytogenetic location: 1q43.
Variant type: single nucleotide variant.
Coding change: c.5703A>G on transcript NM_001035.3 (MANE Select); coding-DNA position 5703, A replaced by G.
Protein change: p.Pro1901=; no amino-acid change (proline 1901 retained).
Molecular consequence: synonymous variant.
Genome position (GRCh38, 1-based): chr1:237,614,831, A>G. VCF-style: chr1-237614831-A-G. GRCh37 (hg19) VCF-style: chr1-237778131-A-G.
Identifiers: ClinVar variation 760768 (VCV000760768.15), dbSNP rs1573127804, ClinGen allele CA424031644.